The following is an entry in ClinVar:

NM_001429.4(EP300):c.1657C>G (p.Leu553Val)

Gene: EP300 (EP300 lysine acetyltransferase; plus strand). Cytogenetic location: 22q13.2.
Variant type: single nucleotide variant.
Coding change: c.1657C>G on transcript NM_001429.4 (MANE Select); coding-DNA position 1657, C replaced by G.
Protein change: p.Leu553Val; replaces leucine 553 with valine.
Molecular consequence: missense variant.
Genome position (GRCh38, 1-based): chr22:41,137,687, C>G. VCF-style: chr22-41137687-C-G. GRCh37 (hg19) VCF-style: chr22-41533691-C-G.
Other names: c.1657C>G, p.Leu553Val (NM_001362843.2); short protein forms L553V.
Identifiers: ClinVar variation 3354003 (VCV003354003.3).

ClinVar aggregate classification (germline): Uncertain significance. Review status: criteria provided, multiple submitters, no conflicts (2 of 4 stars). 2 submissions from 2 submitters: Uncertain significance (2). Last evaluated 2026-07-25.

Conditions:
Rubinstein-Taybi syndrome due to EP300 haploinsufficiency. Also called: EP300-Related Rubinstein-Taybi Syndrome; RUBINSTEIN-TAYBI SYNDROME 2. Identifiers: Orphanet 353284, Orphanet 783, MedGen C3150941, MONDO:0013364, OMIM 613684.
EP300-related disorder. Also called: EP300-related condition; EP300-related disorders.

Submissions (2):

PreventionGenetics, part of Exact Sciences
Classification: Uncertain significance for EP300-related condition. Last evaluated: 2026-07-25. Review status: criteria provided, single submitter. Criteria: ACMG Guidelines, 2015. Collection method: clinical testing. Allele origin: germline.
Comment: The EP300 c.1657C>G variant is predicted to result in the amino acid substitution p.Leu553Val. To our knowledge, this variant has not been reported in the literature or in a large population database (gnomAD), indicating this variant is rare. At this time, the clinical significance of this variant is uncertain due to the absence of conclusive functional and genetic evidence.

Labcorp Genetics (formerly Invitae), Labcorp
Classification: Uncertain significance for Rubinstein-Taybi syndrome due to EP300 haploinsufficiency. Last evaluated: 2025-11-27. Review status: criteria provided, single submitter. Criteria: Invitae Variant Classification Sherloc (09022015). Collection method: clinical testing. Allele origin: germline.
Comment: This sequence change replaces leucine, which is neutral and non-polar, with valine, which is neutral and non-polar, at codon 553 of the EP300 protein (p.Leu553Val). This variant is not present in population databases (gnomAD no frequency). This variant has not been reported in the literature in individuals affected with EP300-related conditions. ClinVar contains an entry for this variant (Variation ID: 3354003). Invitae Evidence Modeling of protein sequence and biophysical properties (such as structural, functional, and spatial information, amino acid conservation, physicochemical variation, residue mobility, and thermodynamic stability) indicates that this missense variant is not expected to disrupt EP300 protein function with a negative predictive value of 80%. In summary, the available evidence is currently insufficient to determine the role of this variant in disease. Therefore, it has been classified as a Variant of Uncertain Significance.